The following is an entry in ClinVar:

NM_003289.4(TPM2):c.289G>A (p.Glu97Lys)

Gene: TPM2 (tropomyosin 2; minus strand). Cytogenetic location: 9p13.3.
Variant type: single nucleotide variant.
Coding change: c.289G>A on transcript NM_003289.4 (MANE Select); coding-DNA position 289, G replaced by A.
Protein change: p.Glu97Lys; replaces glutamic acid 97 with lysine.
Molecular consequence: missense variant.
Genome position (GRCh38, 1-based): chr9:35,685,732, C>T on the plus strand (G>A on the coding strand, the complement: TPM2 is on the minus strand). VCF-style: chr9-35685732-C-T. GRCh37 (hg19) VCF-style: chr9-35685729-C-T.
Other names: c.289G>A, p.Glu97Lys (NM_001301226.2, NM_001301227.2, NM_213674.1); short protein forms E97K.
Identifiers: ClinVar variation 2663287 (VCV002663287.1), dbSNP rs2490684829, ClinGen allele CA373368402.

ClinVar aggregate classification (germline): Likely pathogenic (1 of 4 stars; one submission).

Submission:

GeneDx
Classification: Likely pathogenic. Last evaluated: 2023-10-19. Review status: criteria provided, single submitter. Criteria: GeneDx Variant Classification Process June 2021. Collection method: clinical testing. Allele origin: germline. Affected: yes.
Comment: Not observed at significant frequency in large population cohorts (gnomAD); Missense variants in this gene are a common cause of disease and they are underrepresented in the general population; In silico analysis supports that this missense variant has a deleterious effect on protein structure/function; This variant is associated with the following publications: (PMID: 23401156, 28881016, 35806104, 33919826)